The following is an entry in ClinVar:

NM_001080453.3(INTS1):c.6026G>T (p.Ser2009Ile)

Gene: INTS1 (integrator complex subunit 1; minus strand). Cytogenetic location: 7p22.3.
Variant type: single nucleotide variant.
Coding change: c.6026G>T on transcript NM_001080453.3 (MANE Select); coding-DNA position 6026, G replaced by T.
Protein change: p.Ser2009Ile; replaces serine 2009 with isoleucine.
Molecular consequence: missense variant.
Genome position (GRCh38, 1-based): chr7:1,473,116, C>A on the plus strand (G>T on the coding strand, the complement: INTS1 is on the minus strand). VCF-style: chr7-1473116-C-A. GRCh37 (hg19) VCF-style: chr7-1512752-C-A.
Other names: short protein forms S2009I.
Identifiers: ClinVar variation 4275837 (VCV004275837.2).
Genomic context (GRCh38, chr7:1,473,116, plus strand): 5'-TGGCAGCCCCACTCACCCTCGCCCTCTTCGTCCAGGCCTCGGTCGGTCCTGTCGTCCCTG[C>A]TGGGCAGGCTGAGCCCTGCAAGGAGGGATTTCAGCATCACCAGGTCACTGTTGTCGAAGG-3'
Protein context (NP_001073922.2, residues 1999-2019): KSLLAGLSLP[Ser2009Ile]RDDRTDRGLD

ClinVar aggregate classification (germline): Uncertain significance. Review status: criteria provided, multiple submitters, no conflicts (2 of 4 stars). 2 submissions from 2 submitters: Uncertain significance (2). Last evaluated 2025-09-01.

Conditions:
Inborn genetic diseases. Identifiers: MedGen C0950123, MeSH D030342.

gnomAD v4.1: 8 of 1,611,958 alleles (0.0005%); highest among the groups gnomAD compares: Non-Finnish European, 0.00068%; no homozygotes.

Submissions (2):

Ambry Genetics
Classification: Uncertain significance for Inborn genetic diseases. Last evaluated: 2025-09-01. Review status: criteria provided, single submitter. Criteria: Ambry Variant Classification Scheme 2023. Collection method: clinical testing. Allele origin: germline.

GeneDx
Classification: Uncertain significance. Last evaluated: 2025-05-30. Review status: criteria provided, single submitter. Criteria: GeneDx Variant Classification Process June 2021. Collection method: clinical testing. Allele origin: germline. Affected: yes.
Comment: Not observed at significant frequency in large population cohorts (gnomAD); In silico analysis supports that this missense variant has a deleterious effect on protein structure/function; Has not been previously published as pathogenic or benign to our knowledge